The following is an entry in ClinVar:

NM_023110.3(FGFR1):c.371C>T (p.Ser124Phe)

Gene: FGFR1 (fibroblast growth factor receptor 1; minus strand). Cytogenetic location: 8p11.23.
Variant type: single nucleotide variant.
Coding change: c.371C>T on transcript NM_023110.3 (MANE Select); coding-DNA position 371, C replaced by T.
Protein change: p.Ser124Phe; replaces serine 124 with phenylalanine.
Molecular consequence: missense variant.
Genome position (GRCh38, 1-based): chr8:38,428,423, G>A on the plus strand (C>T on the coding strand, the complement: FGFR1 is on the minus strand). VCF-style: chr8-38428423-G-A. GRCh37 (hg19) VCF-style: chr8-38285941-G-A.
Other names: c.371C>T, p.Ser124Phe (NM_000604.2, NM_001174063.2, NM_001174065.2 and 4 more transcripts); c.347C>T, p.Ser116Phe (NM_001174064.2); c.104C>T, p.Ser35Phe (NM_001174066.2, NM_001354368.2, NM_001354370.2 and 2 more transcripts); c.470C>T, p.Ser157Phe (NM_001174067.2); short protein forms S116F, S124F, S35F, S157F.
Identifiers: ClinVar variation 2929854 (VCV002929854.3), dbSNP rs1201443010, ClinGen allele CA370736066.

ClinVar aggregate classification (germline): Uncertain significance (1 of 4 stars; one submission).

Conditions:
Pfeiffer syndrome (ACS5). Also called: ACS V. Identifiers: Orphanet 710, MedGen C0220658, MONDO:0007043, OMIM 101600.
Hypogonadotropic hypogonadism 2 with or without anosmia (HH2). Also called: HYPOGONADOTROPIC HYPOGONADISM 2 WITHOUT ANOSMIA; FGFR1-Related GnRH Deficiency (Kallmann Syndrome 2); HYPOGONADOTROPIC HYPOGONADISM 2 WITH OR WITHOUT ANOSMIA, SUSCEPTIBILITY TO; HYPOGONADOTROPIC HYPOGONADISM 2 WITHOUT ANOSMIA, SUSCEPTIBILITY TO. Identifiers: Orphanet 478, MedGen C1563720, MONDO:0007844, OMIM 147950. Disease mechanism: loss of function.

Allele frequency attached by ClinVar (database versions not stated): gnomAD exomes below 0.00001; gnomAD 0.00001; TOPMed 0.00001.

Submission:

Labcorp Genetics (formerly Invitae), Labcorp
Classification: Uncertain significance for Pfeiffer syndrome; Hypogonadotropic hypogonadism 2 with or without anosmia. Last evaluated: 2023-12-25. Review status: criteria provided, single submitter. Criteria: Invitae Variant Classification Sherloc (09022015). Collection method: clinical testing. Allele origin: germline.
Comment: This sequence change replaces serine, which is neutral and polar, with phenylalanine, which is neutral and non-polar, at codon 124 of the FGFR1 protein (p.Ser124Phe). This variant is present in population databases (no rsID available, gnomAD 0.01%). This variant has not been reported in the literature in individuals affected with FGFR1-related conditions. Advanced modeling of protein sequence and biophysical properties (such as structural, functional, and spatial information, amino acid conservation, physicochemical variation, residue mobility, and thermodynamic stability) has been performed at Invitae for this missense variant, however the output from this modeling did not meet the statistical confidence thresholds required to predict the impact of this variant on FGFR1 protein function. In summary, the available evidence is currently insufficient to determine the role of this variant in disease. Therefore, it has been classified as a Variant of Uncertain Significance.